The following is an entry in ClinVar:

ClinVar aggregate classification (germline): Uncertain significance (0 of 4 stars; one submission).

Conditions:
FLCN-related disorder. Also called: FLCN-related condition.

gnomAD v4.1: 56 of 457,144 alleles (0.012%); highest among the groups gnomAD compares: Middle Eastern, 0.063%; no homozygotes.

Submission:

PreventionGenetics, part of Exact Sciences
Classification: Uncertain significance for FLCN-related condition. Last evaluated: 2024-07-22. Review status: no assertion criteria provided. Collection method: clinical testing. Allele origin: germline.
Comment: The FLCN c.442A>T variant is predicted to result in the amino acid substitution p.Met148Leu. To our knowledge, this variant has not been reported in the literature. This variant is reported in 0.12% of alleles in individuals of Latino descent in gnomAD. This variant is absent in ClinVar. At this time, the clinical significance of this variant is uncertain due to the absence of conclusive functional and genetic evidence.

NM_144997.7(FLCN):c.397-323A>T

Gene: FLCN (folliculin; minus strand). Cytogenetic location: 17p11.2.
Variant type: single nucleotide variant.
Coding change: c.397-323A>T on transcript NM_144997.7 (MANE Select); 323 bases into the intron before coding-DNA position 397, A replaced by T.
Molecular consequence: intron variant. On other transcripts: missense variant (1).
Genome position (GRCh38, 1-based): chr17:17,224,466, T>A on the plus strand (A>T on the coding strand, the complement: FLCN is on the minus strand). VCF-style: chr17-17224466-T-A. GRCh37 (hg19) VCF-style: chr17-17127780-T-A.
Other names: c.442A>T, p.Met148Leu (NM_001353229.2); c.397-323A>T (NM_001353231.2, NM_001353230.2, NM_144606.7); short protein forms M148L.
Identifiers: ClinVar variation 3350390 (VCV003350390.1).